The following is an entry in ClinVar:

NM_000094.4(COL7A1):c.7336G>A (p.Gly2446Arg)

Gene: COL7A1 (collagen type VII alpha 1 chain; minus strand). Cytogenetic location: 3p21.31.
Variant type: single nucleotide variant.
Coding change: c.7336G>A on transcript NM_000094.4 (MANE Select); coding-DNA position 7336, G replaced by A.
Protein change: p.Gly2446Arg; replaces glycine 2446 with arginine.
Molecular consequence: missense variant.
Genome position (GRCh38, 1-based): chr3:48,570,647, C>T on the plus strand (G>A on the coding strand, the complement: COL7A1 is on the minus strand). VCF-style: chr3-48570647-C-T. GRCh37 (hg19) VCF-style: chr3-48608080-C-T.
Other names: short protein forms G2446R.
Identifiers: ClinVar variation 1705552 (VCV001705552.1), dbSNP rs1389319411, ClinGen allele CA352647520.

ClinVar aggregate classification (germline): Uncertain significance (1 of 4 stars; one submission).

Conditions:
Pretibial dystrophic epidermolysis bullosa. Also called: EPIDERMOLYSIS BULLOSA DYSTROPHICA, PRETIBIAL; Pretibial blistering; Pretibial epidermolysis bullosa. Identifiers: Orphanet 79410, MedGen C0432321, MONDO:0007552, OMIM 131850, HP:0012221.

Submission:

3billion
Classification: Uncertain significance for Pretibial dystrophic epidermolysis bullosa. Last evaluated: 2022-09-01. Review status: criteria provided, single submitter. Criteria: ACMG Guidelines, 2015. Collection method: clinical testing. Allele origin: germline. Affected: yes. Observed: 1 homozygote.
Comment: The variant is not observed in the gnomAD v2.1.1 dataset. In silico tool predictions suggest damaging effect of the variant on gene or gene product (REVEL: 0.96; 3Cnet: 0.96). Therefore, this variant is classified as uncertain significance according to the recommendation of ACMG/AMP guideline.